The following is an entry in ClinVar:

NM_005359.6(SMAD4):c.433G>A (p.Gly145Arg)

Gene: SMAD4 (SMAD family member 4; plus strand). Cytogenetic location: 18q21.2.
Variant type: single nucleotide variant.
Coding change: c.433G>A on transcript NM_005359.6 (MANE Select); coding-DNA position 433, G replaced by A.
Protein change: p.Gly145Arg; replaces glycine 145 with arginine.
Molecular consequence: missense variant.
Genome position (GRCh38, 1-based): chr18:51,049,303, G>A. VCF-style: chr18-51049303-G-A. GRCh37 (hg19) VCF-style: chr18-48575673-G-A.
Other names: short protein forms G145R.
Identifiers: ClinVar variation 824806 (VCV000824806.5), dbSNP rs1599182892, ClinGen allele CA402459537.

ClinVar aggregate classification (germline): Uncertain significance (1 of 4 stars; one submission).

Conditions:
Hereditary cancer-predisposing syndrome. Also called: Tumor predisposition; Hereditary neoplastic syndrome; Neoplastic Syndromes, Hereditary; Hereditary Cancer Syndrome. Identifiers: Orphanet 140162, MedGen C0027672, MeSH D009386, MONDO:0015356.
Familial thoracic aortic aneurysm and aortic dissection (TAAD). Also called: Thoracic aortic aneurysms and dissections. Identifiers: Orphanet 91387, MedGen C4707243, MONDO:0019625.

Submission:

Ambry Genetics
Classification: Uncertain significance for Hereditary cancer-predisposing syndrome; Familial thoracic aortic aneurysm and aortic dissection. Last evaluated: 2026-08-11. Review status: criteria provided, single submitter. Criteria: Ambry Variant Classification Scheme 2023. Collection method: clinical testing. Allele origin: germline.
Comment: The p.G145R variant (also known as c.433G>A), located in coding exon 3 of the SMAD4 gene, results from a G to A substitution at nucleotide position 433. The glycine at codon 145 is replaced by arginine, an amino acid with dissimilar properties. This amino acid position is highly conserved in available vertebrate species. In addition, this alteration is predicted to be deleterious by in silico analysis. Based on the available evidence, the clinical significance of this variant remains unclear.